The following is an entry in ClinVar:

ClinVar aggregate classification (germline): Uncertain significance (1 of 4 stars; one submission).

gnomAD v4.1: 12 of 1,614,068 alleles (0.00074%); highest among the groups gnomAD compares: African/African-American, 0.004%; no homozygotes.

Submission:

Labcorp Genetics (formerly Invitae), Labcorp
Classification: Uncertain significance. Last evaluated: 2024-04-26. Review status: criteria provided, single submitter. Criteria: Invitae Variant Classification Sherloc (09022015). Collection method: clinical testing. Allele origin: germline.
Comment: This sequence change replaces valine, which is neutral and non-polar, with isoleucine, which is neutral and non-polar, at codon 1195 of the IGF1R protein (p.Val1195Ile). This variant is present in population databases (no rsID available, gnomAD 0.004%). This variant has not been reported in the literature in individuals affected with IGF1R-related conditions. Advanced modeling of protein sequence and biophysical properties (such as structural, functional, and spatial information, amino acid conservation, physicochemical variation, residue mobility, and thermodynamic stability) performed at Invitae indicates that this missense variant is not expected to disrupt IGF1R protein function with a negative predictive value of 80%. In summary, the available evidence is currently insufficient to determine the role of this variant in disease. Therefore, it has been classified as a Variant of Uncertain Significance.

NM_000875.5(IGF1R):c.3583G>A (p.Val1195Ile)

Gene: IGF1R (insulin like growth factor 1 receptor; plus strand). Cytogenetic location: 15q26.3.
Variant type: single nucleotide variant.
Coding change: c.3583G>A on transcript NM_000875.5 (MANE Select); coding-DNA position 3583, G replaced by A.
Protein change: p.Val1195Ile; replaces valine 1195 with isoleucine.
Molecular consequence: missense variant.
Genome position (GRCh38, 1-based): chr15:98,943,048, G>A. VCF-style: chr15-98943048-G-A. GRCh37 (hg19) VCF-style: chr15-99486277-G-A.
Other names: c.3580G>A, p.Val1194Ile (NM_001291858.2); short protein forms V1194I, V1195I.
Identifiers: ClinVar variation 3629271 (VCV003629271.2).